The following is an entry in ClinVar:

NM_001099922.3(ALG13):c.2828_2839del (p.Pro943_Ala946del)

Gene: ALG13 (ALG13 UDP-N-acetylglucosaminyltransferase subunit; plus strand). Cytogenetic location: Xq23.
Variant type: Deletion.
Coding change: c.2828_2839del on transcript NM_001099922.3 (MANE Select); coding-DNA positions 2828 to 2839, 12 bases deleted (CTCCTCCTGCTC).
Protein change: p.Pro943_Ala946del.
Molecular consequence: inframe deletion. On other transcripts: intron variant (5).
Genome position (GRCh38, 1-based): chrX:111,744,800-111,744,811, CTCCTCCTGCTC deleted; deleting any 12 consecutive bases within chrX:111,744,797-111,744,811 gives the same sequence; the c. name uses the placement nearest the transcript's 3' end. VCF-style (leftmost placement, unchanged base first): chrX-111744796-CCTCCTCCTCCTG-C. GRCh37 (hg19) VCF-style: chrX-110988024-CCTCCTCCTCCTG-C.
Other names: c.2594_2605del, p.Pro865_Ala868del (NM_001257231.2); c.2383+7921_2383+7932del (NM_001257237.2, NM_001257234.2, NM_001257230.2); c.2209+7921_2209+7932del (NM_001324293.1); c.2695+7921_2695+7932del (NM_001324292.2); c.2828_2839del (NM_001099922.2).
Identifiers: ClinVar variation 1042513 (VCV001042513.5), dbSNP rs1569522062, ClinGen allele CA920431106.
Genomic context (GRCh38, chrX:111,744,796, plus strand): 5'-CCACCACCACCACCACCACCACCACCACCACCACCTCCTCCTCCTCCTCCTCCTCCTCCT[CCTCCTCCTCCTG>C]CTCTTGATGTGGGAGAGACTTCAAACTTACAACCACCACCACCACTACCACCTCCACCTT-3'

ClinVar aggregate classification (germline): Uncertain significance. Review status: criteria provided, multiple submitters, no conflicts (2 of 4 stars). 2 submissions from 2 submitters: Uncertain significance (2). Last evaluated 2023-07-28.

Conditions:
Developmental and epileptic encephalopathy, 36 (DEE36). Also called: ALG13-CDG; Congenital disorder of glycosylation, type Is; Epileptic encephalopathy, early infantile, 36. Identifiers: Orphanet 324422, MedGen C4317295, MONDO:0010472, OMIM 300884.

Submissions (2):

GeneDx
Classification: Uncertain significance. Last evaluated: 2023-07-28. Review status: criteria provided, single submitter. Criteria: GeneDx Variant Classification Process June 2021. Collection method: clinical testing. Allele origin: germline. Affected: yes.
Comment: In silico analysis supports that this variant does not alter protein structure/function; Has not been previously published as pathogenic or benign to our knowledge

Labcorp Genetics (formerly Invitae), Labcorp
Classification: Uncertain significance for Developmental and epileptic encephalopathy, 36. Last evaluated: 2021-08-28. Review status: criteria provided, single submitter. Criteria: Invitae Variant Classification Sherloc (09022015). Collection method: clinical testing. Allele origin: germline.